The following is an entry in ClinVar:

NM_024753.5(TTC21B):c.887G>A (p.Ser296Asn)

Gene: TTC21B (tetratricopeptide repeat domain 21B; minus strand). Cytogenetic location: 2q24.3.
Variant type: single nucleotide variant.
Coding change: c.887G>A on transcript NM_024753.5 (MANE Select); coding-DNA position 887, G replaced by A.
Protein change: p.Ser296Asn; replaces serine 296 with asparagine.
Molecular consequence: missense variant.
Genome position (GRCh38, 1-based): chr2:165,931,765, C>T on the plus strand (G>A on the coding strand, the complement: TTC21B is on the minus strand). VCF-style: chr2-165931765-C-T. GRCh37 (hg19) VCF-style: chr2-166788275-C-T.
Other names: c.887G>A (NM_024753.4); short protein forms S296N.
Identifiers: ClinVar variation 2141269 (VCV002141269.3), dbSNP rs138183111, ClinGen allele CA1942307.

ClinVar aggregate classification (germline): Uncertain significance. Review status: criteria provided, multiple submitters, no conflicts (2 of 4 stars). 3 submissions from 3 submitters: Uncertain significance (3). Last evaluated 2025-08-11.

Conditions:
TTC21B-related disorder. Also called: TTC21B-related condition; TTC21B-related disorders.
Jeune thoracic dystrophy. Also called: Short-rib thoracic dysplasia; Jeune syndrome; Infantile thoracic dystrophy; Thoracic pelvic phalangeal dystrophy; Jeune's syndrome; Chondroectodermal dysplasia-like syndrome. Identifiers: Orphanet 474, MedGen C0265275, MONDO:0018770.
Nephronophthisis. Also called: Juvenile Nephronophthisis. Identifiers: Orphanet 655, MedGen C0687120, MONDO:0019005, HP:0000090.

Allele frequency attached by ClinVar (database versions not stated): TOPMed 0.00004; gnomAD 0.00005; gnomAD exomes 0.00005; ExAC 0.00006; ESP Exome Variant Server 0.00015.
gnomAD v4.1: 77 of 1,612,582 alleles (0.0048%); highest among the groups gnomAD compares: Non-Finnish European, 0.0062%; no homozygotes.

Submissions (3):

PreventionGenetics, part of Exact Sciences
Classification: Uncertain significance for TTC21B-related condition. Last evaluated: 2025-08-11. Review status: criteria provided, single submitter. Criteria: ACMG Guidelines, 2015. Collection method: clinical testing. Allele origin: germline.
Comment: The TTC21B c.887G>A variant is predicted to result in the amino acid substitution p.Ser296Asn. To our knowledge, this variant has not been reported in the literature. This variant is reported in 0.010% of alleles in individuals of European (Non-Finnish) descent in gnomAD. At this time, the clinical significance of this variant is uncertain due to the absence of conclusive functional and genetic evidence.

Blueprint Genetics
Classification: Uncertain significance. Last evaluated: 2024-10-11. Review status: criteria provided, single submitter. Criteria: ACMG Guidelines, 2015. Collection method: clinical testing. Allele origin: germline.

Labcorp Genetics (formerly Invitae), Labcorp
Classification: Uncertain significance for Jeune thoracic dystrophy; Nephronophthisis. Last evaluated: 2021-12-30. Review status: criteria provided, single submitter. Criteria: Invitae Variant Classification Sherloc (09022015). Collection method: clinical testing. Allele origin: germline.
Comment: This sequence change replaces serine, which is neutral and polar, with asparagine, which is neutral and polar, at codon 296 of the TTC21B protein (p.Ser296Asn). This variant is present in population databases (rs138183111, gnomAD 0.01%). This variant has not been reported in the literature in individuals affected with TTC21B-related conditions. Algorithms developed to predict the effect of missense changes on protein structure and function (SIFT, PolyPhen-2, Align-GVGD) all suggest that this variant is likely to be tolerated. In summary, the available evidence is currently insufficient to determine the role of this variant in disease. Therefore, it has been classified as a Variant of Uncertain Significance.